The following is an entry in ClinVar:

NM_018406.7(MUC4):c.3242C>T (p.Ala1081Val)

Gene: MUC4 (mucin 4, cell surface associated). Cytogenetic location: 3q29.
Variant type: single nucleotide variant.
Coding change: c.3242C>T on transcript NM_018406.7 (MANE Select); coding-DNA position 3242, C replaced by T.
Protein change: p.Ala1081Val; replaces alanine 1081 with valine.
Molecular consequence: missense variant. On other transcripts: intron variant (2).
Genome position (GRCh38, 1-based): chr3:195,788,338, G>A on the plus strand (C>T on the coding strand, the complement: MUC4 is on the minus strand). VCF-style: chr3-195788338-G-A. GRCh37 (hg19) VCF-style: chr3-195515209-G-A.
Other names: c.83-14033C>T (NM_138297.5); c.83-9883C>T (NM_004532.6); short protein forms A1081V.
Identifiers: ClinVar variation 5038527 (VCV005038527.1).

ClinVar aggregate classification (germline): Likely benign (1 of 4 stars; one submission).

Submission:

CeGaT Center for Human Genetics Tuebingen
Classification: Likely benign. Last evaluated: 2026-07-01. Review status: criteria provided, single submitter. Criteria: CeGaT Center For Human Genetics Tuebingen Variant Classification Criteria Version 2. Collection method: clinical testing. Allele origin: germline. Affected: yes. Observed: 1 variant allele.
Comment: MUC4: BP4, BS2